The following is an entry in ClinVar:

NM_003412.4(ZIC1):c.1204G>T (p.Glu402Ter)

Gene: ZIC1 (Zic family zinc finger 1; plus strand). Cytogenetic location: 3q24.
Variant type: single nucleotide variant.
Coding change: c.1204G>T on transcript NM_003412.4 (MANE Select); coding-DNA position 1204, G replaced by T.
Protein change: p.Glu402Ter; replaces glutamic acid 402 with a stop codon.
Molecular consequence: nonsense.
Genome position (GRCh38, 1-based): chr3:147,413,411, G>T. VCF-style: chr3-147413411-G-T. GRCh37 (hg19) VCF-style: chr3-147131198-G-T.
Other names: short protein forms E402*.
Identifiers: ClinVar variation 372163 (VCV000372163.4), dbSNP rs1057517669, ClinGen allele CA16042225.
Genomic context (GRCh38, chr3:147,413,411, plus strand): 5'-CAGGTCCACGAATCCTCCTCGCAGGGCTCGCAGCCTTCGCCGGCCGCCAGCTCTGGCTAC[G>T]AATCCTCCACGCCTCCCACCATCGTGTCTCCCTCCACAGACAACCCGACCACAAGCTCCT-3'

ClinVar aggregate classification (germline): Pathogenic. Review status: criteria provided, single submitter (1 of 4 stars). 2 submissions from 2 submitters: Pathogenic (1). 1 of the submissions does not count toward it. Last evaluated 2025-04-16.

Conditions:
Structural brain anomalies with impaired intellectual development and craniosynostosis. Identifiers: MedGen C5231485, MONDO:0032892, OMIM 618736.

Submissions (2):

GeneDx
Classification: Pathogenic. Last evaluated: 2025-04-16. Review status: criteria provided, single submitter. Criteria: GeneDx Variant Classification Process June 2021. Collection method: clinical testing. Allele origin: germline. Affected: yes.
Comment: Nonsense variant predicted to result in protein truncation as the last 46 amino acid(s) are lost; Not observed at significant frequency in large population cohorts (gnomAD); This variant is associated with the following publications: (PMID: 26340333)

OMIM
Classification: Pathogenic for STRUCTURAL BRAIN ANOMALIES WITH IMPAIRED INTELLECTUAL DEVELOPMENT AND CRANIOSYNOSTOSIS. Last evaluated: 2020-01-14. Review status: no assertion criteria provided. Collection method: literature only. Allele origin: germline. Not counted in ClinVar's aggregate classification.

Literature cited by the submitters: PubMed 26340333 (cited by OMIM).